The following is an entry in ClinVar:

NM_002500.5(NEUROD1):c.279G>A (p.Lys93=)

Gene: NEUROD1 (neuronal differentiation 1; minus strand). Cytogenetic location: 2q31.3.
Variant type: single nucleotide variant.
Coding change: c.279G>A on transcript NM_002500.5 (MANE Select); coding-DNA position 279, G replaced by A.
Protein change: p.Lys93=; no amino-acid change (lysine 93 retained).
Molecular consequence: synonymous variant.
Genome position (GRCh38, 1-based): chr2:181,678,582, C>T on the plus strand (G>A on the coding strand, the complement: NEUROD1 is on the minus strand). VCF-style: chr2-181678582-C-T. GRCh37 (hg19) VCF-style: chr2-182543309-C-T.
Identifiers: ClinVar variation 3348784 (VCV003348784.1).

ClinVar aggregate classification (germline): Likely benign (0 of 4 stars; one submission).

Conditions:
NEUROD1-related disorder. Also called: NEUROD1-related condition.

gnomAD v4.1: 5 of 1,613,920 alleles (0.00031%); highest among the groups gnomAD compares: South Asian, 0.0044%; no homozygotes.

Submission:

PreventionGenetics, part of Exact Sciences
Classification: Likely benign for NEUROD1-related condition. Last evaluated: 2024-08-24. Review status: no assertion criteria provided. Collection method: clinical testing. Allele origin: germline.
Comment: This variant is classified as likely benign based on ACMG/AMP sequence variant interpretation guidelines (Richards et al. 2015 PMID: 25741868, with internal and published modifications).